The following is an entry in ClinVar:

NM_030813.6(CLPB):c.736+2T>C

Gene: CLPB (ClpB family mitochondrial disaggregase; minus strand). Cytogenetic location: 11q13.4.
Variant type: single nucleotide variant.
Coding change: c.736+2T>C on transcript NM_030813.6 (MANE Plus Clinical); the canonical splice donor site of the intron after coding-DNA position 736, T replaced by C.
Molecular consequence: splice donor variant. On other transcripts: intron variant (2).
Genome position (GRCh38, 1-based): chr11:72,372,923, A>G on the plus strand (T>C on the coding strand, the complement: CLPB is on the minus strand). VCF-style: chr11-72372923-A-G. GRCh37 (hg19) VCF-style: chr11-72083967-A-G.
Other names: c.559+7358T>C (NM_001258393.3); c.646+7358T>C (NM_001258392.3); c.601+2T>C (NM_001258394.3).
Identifiers: ClinVar variation 732793 (VCV000732793.17), dbSNP rs201350869, ClinGen allele CA6171463.

ClinVar aggregate classification (germline): Conflicting classifications of pathogenicity. Review status: criteria provided, conflicting classifications (1 of 4 stars). 4 submissions from 4 submitters: Uncertain significance (3); Likely benign (1). Last evaluated 2026-06-18.

Conditions:
CLPB-related disorder. Also called: CLPB-related condition.
3-methylglutaconic aciduria, type VIIB (MGCA7B). Also called: 3-methylglutaconic aciduria, type VII, with cataracts, neurologic involvement and neutropenia; CLPB Deficiency; 3-methylglutaconic aciduria with cataracts, neurologic involvement and neutropenia. Identifiers: Orphanet 445038, MedGen C5676893, MONDO:0014561, OMIM 616271.

Allele frequency attached by ClinVar (database versions not stated): gnomAD exomes 0.00004 and 0.00021; gnomAD 0.00009 and 0.00011; TOPMed 0.00010; ExAC 0.00013; 1000 Genomes Project 0.00060; 1000 Genomes Project 30x 0.00062.
gnomAD v4.1: 72 of 1,613,226 alleles (0.0045%); highest among the groups gnomAD compares: East Asian, 0.15%; no homozygotes.

Submissions (5):

PreventionGenetics, part of Exact Sciences
Classification: Uncertain significance for CLPB-related condition. Last evaluated: 2026-06-18. Review status: criteria provided, single submitter. Criteria: ACMG Guidelines, 2015. Collection method: clinical testing. Allele origin: germline.
Comment: The CLPB c.736+2T>C variant is predicted to disrupt the GT donor site and interfere with normal splicing. To our knowledge, this variant has not been reported in the literature. This variant is reported in 0.30% of alleles in individuals of East Asian descent in gnomAD. At this time, the clinical significance of this variant is uncertain due to the absence of conclusive functional and genetic evidence.

Labcorp Genetics (formerly Invitae), Labcorp
Classification: Likely benign for 3-methylglutaconic aciduria, type VIIB. Last evaluated: 2025-12-26. Review status: criteria provided, single submitter. Criteria: Invitae Variant Classification Sherloc (09022015). Collection method: clinical testing. Allele origin: germline.

GeneDx
Classification: Uncertain significance. Last evaluated: 2025-04-30. Review status: criteria provided, single submitter. Criteria: GeneDx Variant Classification Process June 2021. Collection method: clinical testing. Allele origin: germline. Affected: yes.
Comment: Canonical splice site variant predicted to result in an in-frame loss of the adjacent exon in a gene for which loss of function is a known mechanism of disease; Has not been previously published as pathogenic or benign to our knowledge; This variant is associated with the following publications: (PMID: 37229156)

Victorian Clinical Genetics Services, Murdoch Childrens Research Institute
Classification: Uncertain significance for 3-methylglutaconic aciduria, type VIIB. Last evaluated: 2024-10-09. Review status: criteria provided, single submitter. Criteria: ACMG Guidelines, 2015. Collection method: clinical testing. Allele origin: germline. Inheritance: Autosomal recessive inheritance. Affected: yes.
Comment: Based on the classification scheme VCGS_Germline_v1.3.5, this variant is classified as VUS-3B. Following criteria are met: 0103 - Dominant negative and loss of function are known mechanisms of disease in this gene. Missense and premature termination codon variants in this gene causing loss of function are associated with autosomal recessive 3-methylglutaconic aciduria, type VIIB (MIM#616271) (PMID: 25597510). Missense variants in the AAA domain causing a dominant negative effect are associated with autosomal dominant 3-methylglutaconic aciduria, type VIIA (MIM#619835) and autosomal dominant severe congenital neutropenia 9 (MIM#619813) (PMIDs: 34140661, 34115842). (I) 0108 - This gene is associated with both recessive and dominant disease (OMIM, PMIDs: 25597510, 34140661). (I) 0115 - Variants in this gene are known to have variable expressivity. 3-methylglutaconic aciduria is typically associated with a severe infantile onset phenotype with progressive encephalopathy and delayed development, although rare patients with normal neurologic development have been reported (PMIDs: 25597510, 34140661). Individuals with severe congenital neutropenia present with isolated severe neutropenia with few, if any, of the non-hematopoietic features associated with the above conditions, including the 3-MGA-uria biomarker (PMID: 34115842). (I) 0211 - Canonical splice site variant without proven consequence on splicing (no functional evidence available). (SP) 0219 - This variant is non-coding in an alternative transcript. The nearest exon (5) is known to be non-coding in the MANE Select transcript, NM_001258392. Additionally, NM_001258392 has higher expression than the MANE Plus Clinical transcript, NM_030813. (I) 0251 - This variant is heterozygous. (I) 0304 - Variant is present in gnomAD <0.01 (v4: 72 heterozygotes, 0 homozygotes). (SP) 0505 - Abnormal splicing is predicted by in silico tools and affected nucleotide is highly conserved. (SP) 0710 - Another splice site variant comparable to the one identified in this case has inconclusive previous evidence for pathogenicity. c.736+3A>G has been reported once as a variant of uncertain significance by a clinical laboratory (ClinVar). (I) 0809 - Previous evidence of pathogenicity for this variant is inconclusive. It has been reported once as likely benign by a clinical laboratory; however, no additional information was provided (ClinVar). (I) 0905 - No published segregation evidence has been identified for this variant. (I) 1007 - No published functional evidence has been identified for this variant. (I) Legend: (SP) - Supporting pathogenic, (I) - Information, (SB) - Supporting benign

Dr. Peter K. Rogan Lab, Western University
No classification provided (evidence only). Condition: Familial cancer of breast. Review status: no classification provided. Collection method: in vitro. Allele origin: not applicable. Functional consequence: skipped exon. Not counted in ClinVar's aggregate classification.

Literature cited by the submitters: PubMed 25597510 (cited by Victorian Clinical Genetics Services, Murdoch Childrens Research Institute); PubMed 34115842 (cited by Victorian Clinical Genetics Services, Murdoch Childrens Research Institute); PubMed 34140661 (cited by Victorian Clinical Genetics Services, Murdoch Childrens Research Institute).